The following is an entry in ClinVar:

NM_022552.5(DNMT3A):c.1436T>A (p.Leu479Gln)

Gene: DNMT3A (DNA methyltransferase 3 alpha; minus strand). Cytogenetic location: 2p23.3.
Variant type: single nucleotide variant.
Coding change: c.1436T>A on transcript NM_022552.5 (MANE Select); coding-DNA position 1436, T replaced by A.
Protein change: p.Leu479Gln; replaces leucine 479 with glutamine.
Molecular consequence: missense variant. On other transcripts: non-coding transcript variant (1).
Genome position (GRCh38, 1-based): chr2:25,246,058, A>T on the plus strand (T>A on the coding strand, the complement: DNMT3A is on the minus strand). VCF-style: chr2-25246058-A-T. GRCh37 (hg19) VCF-style: chr2-25468927-A-T.
Other names: c.980T>A, p.Leu327Gln (NM_001320893.1); c.767T>A, p.Leu256Gln (NM_001375819.1); c.869T>A, p.Leu290Gln (NM_153759.3); c.1436T>A, p.Leu479Gln (NM_175629.2); short protein forms L290Q, L479Q, L256Q, L327Q.
Identifiers: ClinVar variation 4243577 (VCV004243577.1).

ClinVar aggregate classification (germline): Uncertain significance (1 of 4 stars; one submission).

Conditions:
Inborn genetic diseases. Identifiers: MedGen C0950123, MeSH D030342.

Submission:

Ambry Genetics
Classification: Uncertain significance for Inborn genetic diseases. Last evaluated: 2025-06-20. Review status: criteria provided, single submitter. Criteria: Ambry Variant Classification Scheme 2023. Collection method: clinical testing. Allele origin: germline.
Comment: The p.L479Q variant (also known as c.1436T>A), located in coding exon 11 of the DNMT3A gene, results from a T to A substitution at nucleotide position 1436. The leucine at codon 479 is replaced by glutamine, an amino acid with dissimilar properties. This amino acid position is conserved. In addition, this alteration is predicted to be deleterious by in silico analysis. Based on the available evidence, the clinical significance of this variant remains unclear.